The following is an entry in ClinVar:

ClinVar aggregate classification (germline): Conflicting classifications of pathogenicity. Review status: criteria provided, conflicting classifications (1 of 4 stars). 5 submissions from 5 submitters: Uncertain significance (4); Likely benign (1). Last evaluated 2026-04-07.

Conditions:
Inborn genetic diseases. Identifiers: MedGen C0950123, MeSH D030342.

Allele frequency attached by ClinVar (database versions not stated): ESP Exome Variant Server 0.00008; gnomAD exomes 0.00013; ExAC 0.00016; gnomAD 0.00017; TOPMed 0.00024.
gnomAD v4.1: 231 of 1,613,240 alleles (0.014%); highest among the groups gnomAD compares: Middle Eastern, 0.26%; no homozygotes.

Submissions (5):

GeneDx
Classification: Uncertain significance. Last evaluated: 2026-04-07. Review status: criteria provided, single submitter. Criteria: GeneDx Variant Classification Process June 2021. Collection method: clinical testing. Allele origin: germline.
Comment: In silico analysis suggests that this missense variant does not alter protein structure/function; Has not been previously published as pathogenic or benign to our knowledge

Labcorp Genetics (formerly Invitae), Labcorp
Classification: Uncertain significance. Last evaluated: 2025-11-04. Review status: criteria provided, single submitter. Criteria: Invitae Variant Classification Sherloc (09022015). Collection method: clinical testing. Allele origin: germline.
Comment: This sequence change replaces alanine, which is neutral and non-polar, with threonine, which is neutral and polar, at codon 3478 of the HERC2 protein (p.Ala3478Thr). This variant is present in population databases (rs149437745, gnomAD 0.03%). This variant has not been reported in the literature in individuals affected with HERC2-related conditions. ClinVar contains an entry for this variant (Variation ID: 2432439). Invitae Evidence Modeling of protein sequence and biophysical properties (such as structural, functional, and spatial information, amino acid conservation, physicochemical variation, residue mobility, and thermodynamic stability) indicates that this missense variant is not expected to disrupt HERC2 protein function with a negative predictive value of 80%. In summary, the available evidence is currently insufficient to determine the role of this variant in disease. Therefore, it has been classified as a Variant of Uncertain Significance.

Blueprint Genetics
Classification: Uncertain significance. Last evaluated: 2024-11-27. Review status: criteria provided, single submitter. Criteria: ACMG Guidelines, 2015. Collection method: clinical testing. Allele origin: germline.

Ambry Genetics
Classification: Likely benign for Inborn genetic diseases. Last evaluated: 2024-06-03. Review status: criteria provided, single submitter. Criteria: Ambry Variant Classification Scheme 2023. Collection method: clinical testing. Allele origin: germline.

Revvity Omics, Revvity
Classification: Uncertain significance. Last evaluated: 2021-04-08. Review status: criteria provided, single submitter. Criteria: ACMG Guidelines, 2015. Collection method: clinical testing. Allele origin: germline.

NM_004667.6(HERC2):c.10432G>A (p.Ala3478Thr)

Gene: HERC2 (HECT and RLD domain containing E3 ubiquitin protein ligase 2; minus strand). Cytogenetic location: 15q13.1.
Variant type: single nucleotide variant.
Coding change: c.10432G>A on transcript NM_004667.6 (MANE Select); coding-DNA position 10432, G replaced by A.
Protein change: p.Ala3478Thr; replaces alanine 3478 with threonine.
Molecular consequence: missense variant.
Genome position (GRCh38, 1-based): chr15:28,167,809, C>T on the plus strand (G>A on the coding strand, the complement: HERC2 is on the minus strand). VCF-style: chr15-28167809-C-T. GRCh37 (hg19) VCF-style: chr15-28412955-C-T.
Other names: c.10432G>A (NM_004667.4); short protein forms A3478T.
Identifiers: ClinVar variation 2432439 (VCV002432439.7), dbSNP rs149437745, ClinGen allele CA7440837.